The following is an entry in ClinVar:

ClinVar aggregate classification (germline): Uncertain significance. Review status: criteria provided, multiple submitters, no conflicts (2 of 4 stars). 2 submissions from 2 submitters: Uncertain significance (2). Last evaluated 2024-03-07.

Conditions:
Primary ciliary dyskinesia. Also called: Ciliary dyskinesia. Identifiers: Orphanet 244, MedGen C0008780, MONDO:0016575, HP:0012265.

Allele frequency attached by ClinVar (database versions not stated): gnomAD 0.00014 and 0.00013; ExAC 0.00015; ESP Exome Variant Server 0.00015; TOPMed 0.00013.
gnomAD v4.1: 581 of 1,613,320 alleles (0.036%); highest among the groups gnomAD compares: Non-Finnish European, 0.048%; 1 homozygote.

Submissions (2):

Ambry Genetics
Classification: Uncertain significance. Last evaluated: 2024-03-07. Review status: criteria provided, single submitter. Criteria: Ambry Variant Classification Scheme 2023. Collection method: clinical testing. Allele origin: germline.

Labcorp Genetics (formerly Invitae), Labcorp
Classification: Uncertain significance for Primary ciliary dyskinesia. Last evaluated: 2022-04-13. Review status: criteria provided, single submitter. Criteria: Invitae Variant Classification Sherloc (09022015). Collection method: clinical testing. Allele origin: germline.
Comment: This sequence change replaces glycine, which is neutral and non-polar, with aspartic acid, which is acidic and polar, at codon 1724 of the DNAH8 protein (p.Gly1724Asp). This variant is present in population databases (rs45461493, gnomAD 0.04%). This variant has not been reported in the literature in individuals affected with DNAH8-related conditions. ClinVar contains an entry for this variant (Variation ID: 454576). Algorithms developed to predict the effect of missense changes on protein structure and function are either unavailable or do not agree on the potential impact of this missense change (SIFT: "Deleterious"; PolyPhen-2: "Not Available"; Align-GVGD: "Class C0"). In summary, the available evidence is currently insufficient to determine the role of this variant in disease. Therefore, it has been classified as a Variant of Uncertain Significance.

NM_001206927.2(DNAH8):c.5171G>A (p.Gly1724Asp)

Gene: DNAH8 (dynein axonemal heavy chain 8; plus strand). Cytogenetic location: 6p21.2.
Variant type: single nucleotide variant.
Coding change: c.5171G>A on transcript NM_001206927.2 (MANE Select); coding-DNA position 5171, G replaced by A.
Protein change: p.Gly1724Asp; replaces glycine 1724 with aspartic acid.
Molecular consequence: missense variant.
Genome position (GRCh38, 1-based): chr6:38,848,773, G>A. VCF-style: chr6-38848773-G-A. GRCh37 (hg19) VCF-style: chr6-38816549-G-A.
Other names: c.4520G>A, p.Gly1507Asp (NM_001371.4); short protein forms G1724D, G1507D.
Identifiers: ClinVar variation 454576 (VCV000454576.9), dbSNP rs45461493, ClinGen allele CA3789300.